The following is an entry in ClinVar:

NM_013275.6(ANKRD11):c.5689G>A (p.Glu1897Lys)

Gene: ANKRD11 (ankyrin repeat domain containing 11; minus strand). Cytogenetic location: 16q24.3.
Variant type: single nucleotide variant.
Coding change: c.5689G>A on transcript NM_013275.6 (MANE Select); coding-DNA position 5689, G replaced by A.
Protein change: p.Glu1897Lys; replaces glutamic acid 1897 with lysine.
Molecular consequence: missense variant.
Genome position (GRCh38, 1-based): chr16:89,280,853, C>T on the plus strand (G>A on the coding strand, the complement: ANKRD11 is on the minus strand). VCF-style: chr16-89280853-C-T. GRCh37 (hg19) VCF-style: chr16-89347261-C-T.
Other names: c.5689G>A, p.Glu1897Lys (NM_001256182.2, NM_001256183.2); short protein forms E1897K.
Identifiers: ClinVar variation 1723617 (VCV001723617.2), dbSNP rs2544226644, ClinGen allele CA397153243.
Genomic context (GRCh38, chr16:89,280,853, plus strand): 5'-GGTCCTCGGAGGTGTCCAGGTCCGGGGGAAGGGCCCCTTCGAGGGAAGGAACCAGCAGCT[C>T]GGCTCTGGGGGAAGGGGAAGGTTTTGCTTGTAAACTTGAGAAGACGCCCTCTGGAGACGG-3'
Protein context (NP_037407.4, residues 1887-1907): QAKPSPSPRA[Glu1897Lys]LLVPSLEGAL

ClinVar aggregate classification (germline): Uncertain significance (1 of 4 stars; one submission).

gnomAD v4.1: 5 of 1,603,622 alleles (0.00031%); highest among the groups gnomAD compares: Non-Finnish European, 0.00043%; no homozygotes.

Submission:

GeneDx
Classification: Uncertain significance. Last evaluated: 2022-10-27. Review status: criteria provided, single submitter. Criteria: GeneDx Variant Classification Process June 2021. Collection method: clinical testing. Allele origin: germline. Affected: yes.
Comment: Not observed at significant frequency in large population cohorts (gnomAD); In silico analysis supports that this missense variant does not alter protein structure/function; Has not been previously published as pathogenic or benign to our knowledge